The following is an entry in ClinVar:

NM_020461.4(TUBGCP6):c.4051G>C (p.Ala1351Pro)

Gene: TUBGCP6 (tubulin gamma complex component 6; minus strand). Cytogenetic location: 22q13.33.
Variant type: single nucleotide variant.
Coding change: c.4051G>C on transcript NM_020461.4 (MANE Select); coding-DNA position 4051, G replaced by C.
Protein change: p.Ala1351Pro; replaces alanine 1351 with proline.
Molecular consequence: missense variant.
Genome position (GRCh38, 1-based): chr22:50,220,308, C>G on the plus strand (G>C on the coding strand, the complement: TUBGCP6 is on the minus strand). VCF-style: chr22-50220308-C-G. GRCh37 (hg19) VCF-style: chr22-50658737-C-G.
Other names: short protein forms A1351P.
Identifiers: ClinVar variation 212512 (VCV000212512.8), dbSNP rs200701438, ClinGen allele CA208664.

ClinVar aggregate classification (germline): Uncertain significance. Review status: criteria provided, multiple submitters, no conflicts (2 of 4 stars). 2 submissions from 2 submitters: Uncertain significance (2). Last evaluated 2022-05-05.

Allele frequency attached by ClinVar (database versions not stated): gnomAD 0.00006; gnomAD exomes 0.00006 and 0.00008; TOPMed 0.00006; ESP Exome Variant Server 0.00008; ExAC 0.00010.
gnomAD v4.1: 117 of 1,576,610 alleles (0.0074%); highest among the groups gnomAD compares: Non-Finnish European, 0.0094%; no homozygotes.

Submissions (2):

Labcorp Genetics (formerly Invitae), Labcorp
Classification: Uncertain significance. Last evaluated: 2022-05-05. Review status: criteria provided, single submitter. Criteria: Invitae Variant Classification Sherloc (09022015). Collection method: clinical testing. Allele origin: germline.
Comment: This sequence change replaces alanine, which is neutral and non-polar, with proline, which is neutral and non-polar, at codon 1351 of the TUBGCP6 protein (p.Ala1351Pro). This variant is present in population databases (rs200701438, gnomAD 0.01%). This variant has not been reported in the literature in individuals affected with TUBGCP6-related conditions. ClinVar contains an entry for this variant (Variation ID: 212512). Algorithms developed to predict the effect of missense changes on protein structure and function output the following: SIFT: "Tolerated"; PolyPhen-2: "Benign"; Align-GVGD: "Class C0". The proline amino acid residue is found in multiple mammalian species, which suggests that this missense change does not adversely affect protein function. In summary, the available evidence is currently insufficient to determine the role of this variant in disease. Therefore, it has been classified as a Variant of Uncertain Significance.

Genetic Services Laboratory, University of Chicago
Classification: Uncertain significance. Last evaluated: 2015-04-28. Review status: criteria provided, single submitter. Criteria: ACMG Guidelines, 2015. Collection method: clinical testing. Allele origin: germline.